The following is an entry in ClinVar:

ClinVar aggregate classification (germline): Uncertain significance (1 of 4 stars; one submission).

Allele frequency attached by ClinVar (database versions not stated): TOPMed below 0.00001.

Submission:

Labcorp Genetics (formerly Invitae), Labcorp
Classification: Uncertain significance. Last evaluated: 2022-01-11. Review status: criteria provided, single submitter. Criteria: Invitae Variant Classification Sherloc (09022015). Collection method: clinical testing. Allele origin: germline.
Comment: Algorithms developed to predict the effect of missense changes on protein structure and function are either unavailable or do not agree on the potential impact of this missense change (SIFT: "Deleterious"; PolyPhen-2: "Probably Damaging"; Align-GVGD: "Class C0"). This variant has not been reported in the literature in individuals affected with SIX6-related conditions. This variant is not present in population databases (gnomAD no frequency). In summary, the available evidence is currently insufficient to determine the role of this variant in disease. Therefore, it has been classified as a Variant of Uncertain Significance. This sequence change replaces threonine, which is neutral and polar, with isoleucine, which is neutral and non-polar, at codon 168 of the SIX6 protein (p.Thr168Ile).

NM_007374.3(SIX6):c.503C>T (p.Thr168Ile)

Genes: C14orf39 (chromosome 14 open reading frame 39; minus strand), SIX6 (SIX homeobox 6; plus strand). Cytogenetic location: 14q23.1.
Variant type: single nucleotide variant.
Coding change: c.503C>T on transcript NM_007374.3 (MANE Select); coding-DNA position 503, C replaced by T.
Protein change: p.Thr168Ile; replaces threonine 168 with isoleucine.
Molecular consequence: missense variant.
Genome position (GRCh38, 1-based): chr14:60,509,901, C>T. VCF-style: chr14-60509901-C-T. GRCh37 (hg19) VCF-style: chr14-60976619-C-T.
Other names: short protein forms T168I.
Identifiers: ClinVar variation 2080389 (VCV002080389.4), dbSNP rs1893264549, ClinGen allele CA390087452.